The following is an entry in ClinVar:

NM_001009944.3(PKD1):c.12489dup (p.Arg4164fs)

Gene: PKD1 (polycystin 1, transient receptor potential channel interacting; minus strand). Cytogenetic location: 16p13.3.
Variant type: Duplication.
Coding change: c.12489dup on transcript NM_001009944.3 (MANE Select); coding-DNA position 12489, one base duplicated (T; older notation c.12489dupT).
Protein change: p.Arg4164fs; shifts the reading frame from arginine 4164.
Molecular consequence: frameshift variant.
Genome position (GRCh38, 1-based): chr16:2,090,150, A duplicated on the plus strand (T on the coding strand, the reverse complement: PKD1 is on the minus strand). VCF-style (leftmost placement, unchanged base first): chr16-2090149-G-GA. GRCh37 (hg19) VCF-style: chr16-2140150-G-GA.
Other names: c.12486dup, p.Arg4163fs (NM_000296.4); short protein forms R4163fs, R4164fs.
Identifiers: ClinVar variation 3382157 (VCV003382157.2).

ClinVar aggregate classification (germline): Uncertain significance (1 of 4 stars; one submission).

Conditions:
Polycystic kidney disease, adult type (PKD1). Also called: POLYCYSTIC KIDNEY DISEASE, ADULT, TYPE I; Polycystic Kidney Disease 1, Autosomal Dominant; Polycystic kidney disease 1; Polycystic kidney disease 1, severe; Polycystic Kidney, Autosomal Dominant; POLYCYSTIC KIDNEY DISEASE 1 WITH OR WITHOUT POLYCYSTIC LIVER DISEASE. Identifiers: MedGen C3149841, MONDO:0008263, OMIM 173900.

Submission:

Juno Genomics, Hangzhou Juno Genomics, Inc
Classification: Uncertain significance for Polycystic kidney disease, adult type. Review status: criteria provided, single submitter. Criteria: ACMG Guidelines, 2015. Collection method: clinical testing. Allele origin: germline. Affected: yes.
Comment: Null variant in a gene where loss of function (LOF) is a known mechanism of disease.;Absent from controls (or at extremely low frequency if recessive) in Genome Aggregation Database, Exome Sequencing Project, 1000 Genomes Project, or Exome Aggregation Consortium.;Patient's phenotype or family history is highly specific for a disease with a single genetic etiology.